The following is an entry in ClinVar:

ClinVar aggregate classification (germline): Uncertain significance (1 of 4 stars; one submission).

Conditions:
Acute myeloid leukemia (AML). Also called: Leukemia, acute myeloid, somatic; Leukemia, acute myelogenous, somatic; Acute myeloid leukemia, adult; AML adult; Acute non-lymphocytic leukemia; Acute granulocytic leukemia. Identifiers: Orphanet 519, MedGen C0023467, MeSH D015470, MONDO:0018874, OMIM 601626, HP:0004808. Disease mechanism: Constitutively activated FLT3.

Submission:

Labcorp Genetics (formerly Invitae), Labcorp
Classification: Uncertain significance for Acute myeloid leukemia. Last evaluated: 2021-06-05. Review status: criteria provided, single submitter. Criteria: Invitae Variant Classification Sherloc (09022015). Collection method: clinical testing. Allele origin: germline.
Comment: This sequence change replaces aspartic acid with glycine at codon 336 of the CEBPA protein (p.Asp336Gly). The aspartic acid residue is moderately conserved and there is a moderate physicochemical difference between aspartic acid and glycine. This variant is not present in population databases (ExAC no frequency). This variant has not been reported in the literature in individuals with CEBPA-related conditions. Algorithms developed to predict the effect of missense changes on protein structure and function are either unavailable or do not agree on the potential impact of this missense change (SIFT: "Tolerated"; PolyPhen-2: "Possibly Damaging"; Align-GVGD: "Class C0"). In summary, the available evidence is currently insufficient to determine the role of this variant in disease. Therefore, it has been classified as a Variant of Uncertain Significance.

NM_004364.5(CEBPA):c.1007A>G (p.Asp336Gly)

Gene: CEBPA (CCAAT enhancer binding protein alpha; minus strand). Cytogenetic location: 19q13.11.
Variant type: single nucleotide variant.
Coding change: c.1007A>G on transcript NM_004364.5 (MANE Select); coding-DNA position 1007, A replaced by G.
Protein change: p.Asp336Gly; replaces aspartic acid 336 with glycine.
Molecular consequence: missense variant.
Genome position (GRCh38, 1-based): chr19:33,301,408, T>C on the plus strand (A>G on the coding strand, the complement: CEBPA is on the minus strand). VCF-style: chr19-33301408-T-C. GRCh37 (hg19) VCF-style: chr19-33792314-T-C.
Other names: c.650A>G, p.Asp217Gly (NM_001285829.2); c.1112A>G, p.Asp371Gly (NM_001287424.2); c.965A>G, p.Asp322Gly (NM_001287435.2); short protein forms D336G, D371G, D322G, D217G.
Identifiers: ClinVar variation 1358942 (VCV001358942.8), dbSNP rs2145258387, ClinGen allele CA405273732.